The following is an entry in ClinVar:

ClinVar aggregate classification (germline): Uncertain significance (1 of 4 stars; one submission).

Submission:

Ambry Genetics
Classification: Uncertain significance. Last evaluated: 2024-06-27. Review status: criteria provided, single submitter. Criteria: Ambry Variant Classification Scheme 2023. Collection method: clinical testing. Allele origin: germline.
Comment: The p.Y208D variant (also known as c.622T>G), located in coding exon 4 of the IDH1 gene, results from a T to G substitution at nucleotide position 622. The tyrosine at codon 208 is replaced by aspartic acid, an amino acid with highly dissimilar properties. This amino acid position is conserved. In addition, this alteration is predicted to be deleterious by in silico analysis. Since supporting evidence is limited at this time, the clinical significance of this alteration remains unclear.

NM_005896.4(IDH1):c.622T>G (p.Tyr208Asp)

Gene: IDH1 (isocitrate dehydrogenase (NADP(+)) 1; minus strand). Cytogenetic location: 2q34.
Variant type: single nucleotide variant.
Coding change: c.622T>G on transcript NM_005896.4 (MANE Select); coding-DNA position 622, T replaced by G.
Protein change: p.Tyr208Asp; replaces tyrosine 208 with aspartic acid.
Molecular consequence: missense variant.
Genome position (GRCh38, 1-based): chr2:208,243,503, A>C on the plus strand (T>G on the coding strand, the complement: IDH1 is on the minus strand). VCF-style: chr2-208243503-A-C. GRCh37 (hg19) VCF-style: chr2-209108227-A-C.
Other names: c.622T>G, p.Tyr208Asp (NM_001282386.1, NM_001282387.1); short protein forms Y208D.
Identifiers: ClinVar variation 1752338 (VCV001752338.3), dbSNP rs587778402, ClinGen allele CA350099157.
Genomic context (GRCh38, chr2:208,243,503, plus strand): 5'-GAAAGATGTCTTTAAAACGCCCATCATATTTCTTCAGAATAGTGTTTTTGGTGCTCAGAT[A>C]CAAAGGCCAACCCTTAGACAGAGCCATTTGGAAGGAACTGTGTGCAAAATCTTCAATTGA-3'
Protein context (NP_005887.2, residues 198-218): QMALSKGWPL[Tyr208Asp]LSTKNTILKK